The following is an entry in ClinVar:

ClinVar aggregate classification (germline): Uncertain significance (1 of 4 stars; one submission).

Conditions:
AFG3L2-related disorder. Also called: AFG3L2-related condition.

Submission:

PreventionGenetics, part of Exact Sciences
Classification: Uncertain significance for AFG3L2-related condition. Last evaluated: 2026-08-13. Review status: criteria provided, single submitter. Criteria: ACMG Guidelines, 2015. Collection method: clinical testing. Allele origin: germline.
Comment: The AFG3L2 c.1121G>T variant is predicted to result in the amino acid substitution p.Gly374Val. To our knowledge, this variant has not been reported in the literature. This missense variant is predicted to be damaging to the encoded protein (REVEL score >0.773, Ioannidis et al. 2016. PubMed ID: 27666373). This variant is absent in a large population database (gnomAD), indicating this variant is rare. At this time, the clinical significance of this variant is uncertain due to the absence of conclusive functional and genetic evidence.

NM_006796.3(AFG3L2):c.1121G>T (p.Gly374Val)

Gene: AFG3L2 (AFG3 like matrix AAA peptidase subunit 2; minus strand). Cytogenetic location: 18p11.21.
Variant type: single nucleotide variant.
Coding change: c.1121G>T on transcript NM_006796.3 (MANE Select); coding-DNA position 1121, G replaced by T.
Protein change: p.Gly374Val; replaces glycine 374 with valine.
Molecular consequence: missense variant.
Genome position (GRCh38, 1-based): chr18:12,356,737, C>A on the plus strand (G>T on the coding strand, the complement: AFG3L2 is on the minus strand). VCF-style: chr18-12356737-C-A. GRCh37 (hg19) VCF-style: chr18-12356736-C-A.
Other names: short protein forms G374V.
Identifiers: ClinVar variation 4995066 (VCV004995066.1).